The following is an entry in ClinVar:

NM_000051.4(ATM):c.4772T>G (p.Leu1591Trp)

Gene: ATM (ATM serine/threonine kinase; plus strand). Cytogenetic location: 11q22.3.
Variant type: single nucleotide variant.
Coding change: c.4772T>G on transcript NM_000051.4 (MANE Select); coding-DNA position 4772, T replaced by G.
Protein change: p.Leu1591Trp; replaces leucine 1591 with tryptophan.
Molecular consequence: missense variant.
Genome position (GRCh38, 1-based): chr11:108,293,473, T>G. VCF-style: chr11-108293473-T-G. GRCh37 (hg19) VCF-style: chr11-108164200-T-G.
Other names: c.4772T>G, p.Leu1591Trp (NM_001351834.2); short protein forms L1591W.
Identifiers: ClinVar variation 919375 (VCV000919375.14), dbSNP rs1565463381, ClinGen allele CA382535201.
Genomic context (GRCh38, chr11:108,293,473, plus strand): 5'-TTAAGGATTTGCGTATTACTCAGCAAAAAATCAAATACAGTAGAGGACCCTTTTCACTCT[T>G]GGAGGTAATAAAAATTTCATCATCTACTATTTTTTATTAGAGAACATAGTAGTACTTTTC-3'
Protein context (NP_000042.3, residues 1581-1601): IKYSRGPFSL[Leu1591Trp]EEINHFLSVS

ClinVar aggregate classification (germline): Uncertain significance. Review status: criteria provided, multiple submitters, no conflicts (2 of 4 stars). 2 submissions from 2 submitters: Uncertain significance (2). Last evaluated 2024-03-06.

Conditions:
Hereditary cancer-predisposing syndrome. Also called: Hereditary Cancer Syndrome; Hereditary neoplastic syndrome; Neoplastic Syndromes, Hereditary; Tumor predisposition. Identifiers: Orphanet 140162, MedGen C0027672, MeSH D009386, MONDO:0015356.
Ataxia-telangiectasia syndrome (AT). Also called: Ataxia-telangiectasia, complementation group E; LOUIS-BAR SYNDROME; Cerebello-oculocutaneous telangiectasia; Immunodeficiency with ataxia telangiectasia; Ataxia-telangiectasia, complementation group D; AT, COMPLEMENTATION GROUP C. Identifiers: Orphanet 100, MedGen C0004135, MONDO:0008840, OMIM 208900.

Allele frequency attached by ClinVar (database versions not stated): gnomAD exomes below 0.00001.
gnomAD v4.1: 1 of 1,610,034 alleles (0.000062%); highest among the groups gnomAD compares: Non-Finnish European, 0.000085%; no homozygotes.

Submissions (2):

Color Diagnostics, LLC DBA Color Health
Classification: Uncertain significance for Hereditary cancer-predisposing syndrome. Last evaluated: 2024-03-06. Review status: criteria provided, single submitter. Criteria: ACMG Guidelines, 2015. Collection method: clinical testing. Allele origin: germline.
Comment: This missense variant replaces leucine with tryptophan at codon 1591 of the ATM protein. Computational prediction tool suggests that this variant may not impact protein structure and function (internally defined REVEL score threshold <=0.5, PMID: 27666373). Splice site prediction tools suggest that this variant may not impact RNA splicing. To our knowledge, functional studies have not been performed for this variant. This variant has not been reported in individuals affected with hereditary cancer in the literature. This variant has not been identified in the general population by the Genome Aggregation Database (gnomAD). The available evidence is insufficient to determine the role of this variant in disease conclusively. Therefore, this variant is classified as a Variant of Uncertain Significance.

Labcorp Genetics (formerly Invitae), Labcorp
Classification: Uncertain significance for Ataxia-telangiectasia syndrome. Last evaluated: 2024-03-06. Review status: criteria provided, single submitter. Criteria: Invitae Variant Classification Sherloc (09022015). Collection method: clinical testing. Allele origin: germline.
Comment: This sequence change replaces leucine, which is neutral and non-polar, with tryptophan, which is neutral and slightly polar, at codon 1591 of the ATM protein (p.Leu1591Trp). This variant is not present in population databases (gnomAD no frequency). This variant has not been reported in the literature in individuals affected with ATM-related conditions. ClinVar contains an entry for this variant (Variation ID: 919375). An algorithm developed to predict the effect of missense changes on protein structure and function (PolyPhen-2) suggests that this variant is likely to be tolerated. In summary, the available evidence is currently insufficient to determine the role of this variant in disease. Therefore, it has been classified as a Variant of Uncertain Significance.